The following is an entry in ClinVar:

NM_032043.3(BRIP1):c.2963C>T (p.Ser988Phe)

Gene: BRIP1 (BRCA1 interacting DNA helicase 1; minus strand). Cytogenetic location: 17q23.2.
Variant type: single nucleotide variant.
Coding change: c.2963C>T on transcript NM_032043.3 (MANE Select); coding-DNA position 2963, C replaced by T.
Protein change: p.Ser988Phe; replaces serine 988 with phenylalanine.
Molecular consequence: missense variant.
Genome position (GRCh38, 1-based): chr17:61,684,083, G>A on the plus strand (C>T on the coding strand, the complement: BRIP1 is on the minus strand). VCF-style: chr17-61684083-G-A. GRCh37 (hg19) VCF-style: chr17-59761444-G-A.
Other names: short protein forms S988F.
Identifiers: ClinVar variation 479428 (VCV000479428.21), dbSNP rs758032378, ClinGen allele CA8690416.

ClinVar aggregate classification (germline): Uncertain significance. Review status: criteria provided, multiple submitters, no conflicts (2 of 4 stars). 4 submissions from 4 submitters: Uncertain significance (4). Last evaluated 2025-09-18.

Conditions:
Hereditary cancer-predisposing syndrome. Also called: Tumor predisposition; Neoplastic Syndromes, Hereditary; Hereditary Cancer Syndrome; Hereditary neoplastic syndrome. Identifiers: Orphanet 140162, MedGen C0027672, MeSH D009386, MONDO:0015356.
Fanconi anemia complementation group J. Also called: BRIP1-Related Fanconi Anemia. Identifiers: Orphanet 84, MedGen C1836860, MONDO:0012187, OMIM 609054.
Familial cancer of breast. Also called: BREAST CANCER, FAMILIAL; Hereditary breast cancer; hereditary breast carcinoma. Identifiers: Orphanet 227535, MedGen C0346153, MONDO:0016419, OMIM 114480. Disease mechanism: loss of function.

Allele frequency attached by ClinVar (database versions not stated): gnomAD exomes below 0.00001; ExAC 0.00001.
gnomAD v4.1: 1 of 1,613,674 alleles (0.000062%); highest among the groups gnomAD compares: Non-Finnish European, 0.000085%; no homozygotes.

Submissions (4):

Ambry Genetics
Classification: Uncertain significance for Hereditary cancer-predisposing syndrome. Last evaluated: 2025-09-18. Review status: criteria provided, single submitter. Criteria: Ambry Variant Classification Scheme 2023. Collection method: clinical testing. Allele origin: germline.
Comment: The p.S988F variant (also known as c.2963C>T), located in coding exon 19 of the BRIP1 gene, results from a C to T substitution at nucleotide position 2963. The serine at codon 988 is replaced by phenylalanine, an amino acid with highly dissimilar properties. This amino acid position is well conserved in available vertebrate species. In addition, the in silico prediction for this alteration is inconclusive. Since supporting evidence is limited at this time, the clinical significance of this alteration remains unclear.

Labcorp Genetics (formerly Invitae), Labcorp
Classification: Uncertain significance for Familial cancer of breast; Fanconi anemia complementation group J. Last evaluated: 2024-07-16. Review status: criteria provided, single submitter. Criteria: Invitae Variant Classification Sherloc (09022015). Collection method: clinical testing. Allele origin: germline.
Comment: This sequence change replaces serine, which is neutral and polar, with phenylalanine, which is neutral and non-polar, at codon 988 of the BRIP1 protein (p.Ser988Phe). The frequency data for this variant in the population databases is considered unreliable, as metrics indicate poor data quality at this position in the gnomAD database. This variant has not been reported in the literature in individuals affected with BRIP1-related conditions. ClinVar contains an entry for this variant (Variation ID: 479428). An algorithm developed to predict the effect of missense changes on protein structure and function (PolyPhen-2) suggests that this variant is likely to be tolerated. In summary, the available evidence is currently insufficient to determine the role of this variant in disease. Therefore, it has been classified as a Variant of Uncertain Significance.

Color Diagnostics, LLC DBA Color Health
Classification: Uncertain significance for Hereditary cancer-predisposing syndrome. Last evaluated: 2022-05-10. Review status: criteria provided, single submitter. Criteria: ACMG Guidelines, 2015. Collection method: clinical testing. Allele origin: germline.
Comment: This missense variant replaces serine with phenylalanine at codon 988 of the BRIP1 protein. Computational prediction suggests that this variant may not impact protein structure and function (internally defined REVEL score threshold <= 0.5, PMID: 27666373). To our knowledge, functional studies have not been reported for this variant. This variant has not been reported in individuals affected with hereditary cancer in the literature. This variant has not been identified in the general population by the Genome Aggregation Database (gnomAD). The available evidence is insufficient to determine the role of this variant in disease conclusively. Therefore, this variant is classified as a Variant of Uncertain Significance.

Sema4
Classification: Uncertain significance for Hereditary cancer-predisposing syndrome. Last evaluated: 2021-08-03. Review status: criteria provided, single submitter. Criteria: Sema4 Curation Guidelines. Collection method: curation. Allele origin: germline.
Comment: To the best of our knowledge, the BRIP1 c.2963C>T (p.S988F) variant has not been reported in individuals with BRIP1-related disease. It was observed in 1/250848 chromosomes in the large and broad cohorts of the Genome Aggregation Database (PMID: 32461654). The variant has been reported in ClinVar (Variation ID: 479428). Functional studies have not been performed and in silico predictions of the variant's effect on protein function are inconclusive. The evidence is insufficient to meet ACMG/AMP criteria for classifying the variant as benign or pathogenic. Thus, the clinical significance of this variant is currently uncertain.